The following is an entry in ClinVar:

NM_020207.7(ERCC6L2):c.3317A>C (p.Glu1106Ala)

Gene: ERCC6L2 (ERCC excision repair 6 like 2; plus strand). Cytogenetic location: 9q22.32.
Variant type: single nucleotide variant.
Coding change: c.3317A>C on transcript NM_020207.7 (MANE Select); coding-DNA position 3317, A replaced by C.
Protein change: p.Glu1106Ala; replaces glutamic acid 1106 with alanine.
Molecular consequence: missense variant. On other transcripts: non-coding transcript variant (1).
Genome position (GRCh38, 1-based): chr9:95,973,068, A>C. VCF-style: chr9-95973068-A-C. GRCh37 (hg19) VCF-style: chr9-98735350-A-C.
Other names: c.3317A>C, p.Glu1106Ala (NM_001375291.1, NM_001375292.1, NM_001375293.1 and 1 more transcripts); short protein forms E1106A.
Identifiers: ClinVar variation 1918931 (VCV001918931.5), dbSNP rs756314653, ClinGen allele CA5139880.

ClinVar aggregate classification (germline): Uncertain significance (1 of 4 stars; one submission).

Allele frequency attached by ClinVar (database versions not stated): gnomAD exomes below 0.00001; ExAC 0.00001.
gnomAD v4.1: 1 of 1,340,208 alleles (0.000075%); highest among the groups gnomAD compares: East Asian, 0.0046%; no homozygotes.

Submission:

Labcorp Genetics (formerly Invitae), Labcorp
Classification: Uncertain significance. Last evaluated: 2022-04-10. Review status: criteria provided, single submitter. Criteria: Invitae Variant Classification Sherloc (09022015). Collection method: clinical testing. Allele origin: germline.
Comment: This variant is present in population databases (rs756314653, gnomAD 0.006%). This sequence change replaces glutamic acid, which is acidic and polar, with alanine, which is neutral and non-polar, at codon 1117 of the ERCC6L2 protein (p.Glu1117Ala). This variant has not been reported in the literature in individuals affected with ERCC6L2-related conditions. Algorithms developed to predict the effect of missense changes on protein structure and function are either unavailable or do not agree on the potential impact of this missense change (SIFT: "Tolerated"; PolyPhen-2: "Not Available"; Align-GVGD: "Class C0"). In summary, the available evidence is currently insufficient to determine the role of this variant in disease. Therefore, it has been classified as a Variant of Uncertain Significance.